The following is an entry in ClinVar:

NM_001369.3(DNAH5):c.1988dup (p.Tyr663Ter)

Gene: DNAH5 (dynein axonemal heavy chain 5; minus strand). Cytogenetic location: 5p15.2.
Variant type: Duplication.
Coding change: c.1988dup on transcript NM_001369.3 (MANE Select); coding-DNA position 1988, one base duplicated (A; older notation c.1988dupA).
Protein change: p.Tyr663Ter; replaces tyrosine 663 with a stop codon.
Molecular consequence: nonsense.
Genome position (GRCh38, 1-based): chr5:13,901,316, T duplicated on the plus strand (A on the coding strand, the reverse complement: DNAH5 is on the minus strand). VCF-style (leftmost placement, unchanged base first): chr5-13901315-G-GT. GRCh37 (hg19) VCF-style: chr5-13901424-G-GT.
Other names: short protein forms Y663*.
Identifiers: ClinVar variation 2756382 (VCV002756382.3), dbSNP rs2547091970, ClinGen allele CA2697547045.

ClinVar aggregate classification (germline): Pathogenic (1 of 4 stars; one submission).

Conditions:
Primary ciliary dyskinesia. Also called: Ciliary dyskinesia. Identifiers: Orphanet 244, MedGen C0008780, MONDO:0016575, HP:0012265.

Submission:

Labcorp Genetics (formerly Invitae), Labcorp
Classification: Pathogenic for Primary ciliary dyskinesia. Last evaluated: 2023-08-29. Review status: criteria provided, single submitter. Criteria: Invitae Variant Classification Sherloc (09022015). Collection method: clinical testing. Allele origin: germline.
Comment: For these reasons, this variant has been classified as Pathogenic. This variant has not been reported in the literature in individuals affected with DNAH5-related conditions. This variant is not present in population databases (gnomAD no frequency). This sequence change creates a premature translational stop signal (p.Tyr663*) in the DNAH5 gene. It is expected to result in an absent or disrupted protein product. Loss-of-function variants in DNAH5 are known to be pathogenic (PMID: 11788826, 16627867).

Literature cited by the submitters: PubMed 11788826; PubMed 16627867.